The following is an entry in ClinVar:

NM_033087.4(ALG2):c.1174G>A (p.Ala392Thr)

Gene: ALG2 (ALG2 alpha-1,3/1,6-mannosyltransferase; minus strand). Cytogenetic location: 9q22.33.
Variant type: single nucleotide variant.
Coding change: c.1174G>A on transcript NM_033087.4 (MANE Select); coding-DNA position 1174, G replaced by A.
Protein change: p.Ala392Thr; replaces alanine 392 with threonine.
Molecular consequence: missense variant. On other transcripts: non-coding transcript variant (1).
Genome position (GRCh38, 1-based): chr9:99,218,011, C>T on the plus strand (G>A on the coding strand, the complement: ALG2 is on the minus strand). VCF-style: chr9-99218011-C-T. GRCh37 (hg19) VCF-style: chr9-101980293-C-T.
Other names: short protein forms A392T.
Identifiers: ClinVar variation 364203 (VCV000364203.7), dbSNP rs138258236, ClinGen allele CA5156197.
Genomic context (GRCh38, chr9:99,218,011, plus strand): 5'-TAACATATCGGTAGAGCTGTTCTGTAAATGCTTCAGGGGAAAATTTTTCCTTCACTCTGG[C>T]TCTTCCAGCCAGGCCCATGGTGGCTTTTAAGGAAGGTTCACGGATGAACTTTTCTATTGC-3'
Protein context (NP_149078.1, residues 382-402): LKATMGLAGR[Ala392Thr]RVKEKFSPEA

ClinVar aggregate classification (germline): Uncertain significance (1 of 4 stars; one submission).

Conditions:
Congenital disorder of glycosylation, type Ii. Also called: CDG Ii; ALG2-CDG; ALG2-congenital disorder of glycosylation. Identifiers: Orphanet 79326, MedGen C1842836, MONDO:0011933, OMIM 607906.
Congenital myasthenic syndrome 14. Also called: Myasthenic syndrome, congenital, 14, with tubular aggregates. Identifiers: Orphanet 353327, Orphanet 590, MedGen C4015597, MONDO:0014543, OMIM 616228.

Allele frequency attached by ClinVar (database versions not stated): gnomAD 0.00003 and 0.00002; gnomAD exomes 0.00005 and 0.00003; ESP Exome Variant Server 0.00015; TOPMed 0.00004; ExAC 0.00005.

Submission:

Labcorp Genetics (formerly Invitae), Labcorp
Classification: Uncertain significance for Congenital disorder of glycosylation, type Ii; Congenital myasthenic syndrome 14. Last evaluated: 2024-10-24. Review status: criteria provided, single submitter. Criteria: Invitae Variant Classification Sherloc (09022015). Collection method: clinical testing. Allele origin: germline.
Comment: This sequence change replaces alanine, which is neutral and non-polar, with threonine, which is neutral and polar, at codon 392 of the ALG2 protein (p.Ala392Thr). This variant is present in population databases (rs138258236, gnomAD 0.1%). This variant has not been reported in the literature in individuals affected with ALG2-related conditions. ClinVar contains an entry for this variant (Variation ID: 364203). An algorithm developed to predict the effect of missense changes on protein structure and function (PolyPhen-2) suggests that this variant¬¨‚Ä†is likely to be tolerated. In summary, the available evidence is currently insufficient to determine the role of this variant in disease. Therefore, it has been classified as a Variant of Uncertain Significance.